The following is an entry in ClinVar:

NM_018089.3(ANKZF1):c.418G>A (p.Asp140Asn)

Gene: ANKZF1 (ankyrin repeat and zinc finger peptidyl tRNA hydrolase 1; plus strand). Cytogenetic location: 2q35.
Variant type: single nucleotide variant.
Coding change: c.418G>A on transcript NM_018089.3 (MANE Select); coding-DNA position 418, G replaced by A.
Protein change: p.Asp140Asn; replaces aspartic acid 140 with asparagine.
Molecular consequence: missense variant. On other transcripts: 5 prime UTR variant (1).
Genome position (GRCh38, 1-based): chr2:219,232,543, G>A. VCF-style: chr2-219232543-G-A. GRCh37 (hg19) VCF-style: chr2-220097265-G-A.
Other names: c.418G>A, p.Asp140Asn (NM_001042410.2); c.-213G>A (NM_001282792.2); short protein forms D140N.
Identifiers: ClinVar variation 1993086 (VCV001993086.4), dbSNP rs757997113, ClinGen allele CA2120750.

ClinVar aggregate classification (germline): Uncertain significance (1 of 4 stars; one submission).

Allele frequency attached by ClinVar (database versions not stated): gnomAD exomes below 0.00001; ExAC 0.00001; TOPMed 0.00001; gnomAD 0.00002.

Submission:

Labcorp Genetics (formerly Invitae), Labcorp
Classification: Uncertain significance. Last evaluated: 2022-10-05. Review status: criteria provided, single submitter. Criteria: Invitae Variant Classification Sherloc (09022015). Collection method: clinical testing. Allele origin: germline.
Comment: This sequence change replaces aspartic acid, which is acidic and polar, with asparagine, which is neutral and polar, at codon 140 of the ANKZF1 protein (p.Asp140Asn). This variant is present in population databases (rs757997113, gnomAD 0.02%). This variant has not been reported in the literature in individuals affected with ANKZF1-related conditions. Algorithms developed to predict the effect of missense changes on protein structure and function output the following: SIFT: "Tolerated"; PolyPhen-2: "Benign"; Align-GVGD: "Class C0". The asparagine amino acid residue is found in multiple mammalian species, which suggests that this missense change does not adversely affect protein function. In summary, the available evidence is currently insufficient to determine the role of this variant in disease. Therefore, it has been classified as a Variant of Uncertain Significance.